The following continues an entry in ClinVar:

NM_000518.5(HBB):c.17_18del (p.Pro6fs)

ClinVar aggregate classification (germline): Pathogenic. Pathogenic (19).

Submissions 14 to 24 of 24:

Quest Diagnostics Nichols Institute San Juan Capistrano
Classification: Pathogenic. Last evaluated: 2023-05-22. Review status: criteria provided, single submitter. Criteria: Quest Diagnostics criteria. Collection method: clinical testing. Allele origin: unknown.
Comment: The HBB c.17_18del (p.Pro6Argfs*17) variant (also known as CD5 (-CT)) alters the translational reading frame of the HBB mRNA and causes the premature termination of HBB protein synthesis. In the published literature, this variant has been reported in the compound heterozygous and homozygous state in individuals with beta-thalassemia major and intermedia (PMIDs: 33491330 (2021), 27263053 (2016), 25617386 (2015), 2606727 (1989)). Based on the available information, this variant is classified as pathogenic.

Laboratory for Molecular Medicine, Mass General Brigham Personalized Medicine
Classification: Pathogenic for beta Thalassemia. Last evaluated: 2022-11-03. Review status: criteria provided, single submitter. Criteria: ACMG Guidelines, 2015. Collection method: clinical testing. Allele origin: germline.
Comment: The p.Pro6ArgfsX17 variant in HBB has been reported in several individuals with beta thalassemia and is one of the common pathogenic variants in Middle Eastern countries ( selected references Kollia 1989 PMID: 2606727, Vetter 1997 PMID: 9163586, Murad 2021 PMID: 33491330). It has also been reported in ClinVar (Variation ID 15422) and was identified in 6/4834 South Asian chromosomes by gnomAD. This variant is predicted to cause a frameshift, which alters the protein’s amino acid sequence beginning at position 6 and leads to a premature termination codon 17 amino acids downstream. This alteration is then predicted to lead to a truncated or absent protein. Loss of function of the HBB gene is an established disease mechanism in autosomal recessive beta thalassemia. In summary, this variant meets criteria to be classified as pathogenic for autosomal recessive beta thalassemia. ACMG/AMP Criteria applied: PM2_Supporting, PVS1, PM3_Strong.

Genome-Nilou Lab
Classification: Pathogenic for Beta-thalassemia HBB/LCRB. Last evaluated: 2021-07-22. Review status: criteria provided, single submitter. Criteria: ACMG Guidelines, 2015. Collection method: clinical testing. Allele origin: germline. Affected: no.

Women's Health and Genetics/Laboratory Corporation of America, LabCorp
Classification: Pathogenic for beta Thalassemia. Last evaluated: 2017-06-06. Review status: criteria provided, single submitter. Criteria: LabCorp Variant Classification Summary - May 2015. Collection method: clinical testing. Allele origin: germline.
Comment: Variant summary: The HBB c.17_18delCT is a frame-shift variant resulting in termination of translation at codon 23, which is predicted to cause either a truncated or absent HBB protein through non-sense mediated decay which is a commonly known mechanism for BTHAL. Truncations downstream of this position have been classified as pathogenic by our laboratory (e.g. p.Leu29fs). This variant is found in 1/121340 control chromosomes from ExAC at a frequency of 0.0000082, which does not exceed the maximal expected frequency of a pathogenic allele (0.0111803) in this gene. This variant has been commonly identified in beta-thalassemia patients in both compound heterozygous and homozygous states. It is also reported as one of the common mutations in Middle Eastern countries (Lahiry_2008). Taken together, this variant has been classified as a disease variant/pathogenic.

Clinical Genetics and Genomics, Karolinska University Hospital
Classification: Pathogenic. Last evaluated: 2016-01-05. Review status: criteria provided, single submitter. Criteria: ACMG Guidelines, 2015. Collection method: clinical testing. Allele origin: germline. Affected: yes. Observed: 7 variant alleles.

Baylor Genetics
Classification: Pathogenic for Hb SS disease. Review status: criteria provided, single submitter. Criteria: ACMG Guidelines, 2015. Collection method: clinical testing. Allele origin: germline.

MOLECULAR BIOLOGY AND HUMAN GENETICS DIVISION, THE UNIVERSITY OF BURDWAN
Classification: Pathogenic for Beta-thalassemia HBB/LCRB. Last evaluated: 2024-05-07. Review status: no assertion criteria provided. Collection method: clinical testing. Allele origin: germline. Affected: yes. Observed: 1 variant allele. Not counted in ClinVar's aggregate classification.
Comment: The HBB c.17_18delCT (NP_000509.1:p.Pro6fs ) is a frame-shift variant, which is also a beta 0 mutation. When this variant present with other pathogenic HBB mutation leads to severe type of thalassemia. Patients needing blood transfusion, often presented with hepatosplenomegaly, Iron overload. The frequency of the variant among thalassemia patient in Eastern India is 0.19 % as per our multicentric project - A Genetic Diagnostic Algorithm Based Study for Thalassemia in Northern and Eastern Indian Populations, Funded by Dept. of Biotechnology , Govt of India [Project No. BT/PR26461/MED/12/821/2018]

PreventionGenetics, part of Exact Sciences
Classification: Pathogenic for HBB-related condition. Last evaluated: 2024-02-11. Review status: no assertion criteria provided. Collection method: clinical testing. Allele origin: germline. Not counted in ClinVar's aggregate classification.
Comment: The HBB c.17_18delCT variant is predicted to result in a frameshift and premature protein termination (p.Pro6Argfs*17). This variant is also known as Codon 5 [-CT], FSC-5(-CT), or CD 5 -CT in the literature. This variant was reported in the homozygous and compound heterozygous states to be causative for autosomal recessive beta-thalassemia (Kollia et al. 1989. PubMed ID: 2606727; Elmezayen et al. 2015. PubMed ID: 25617386; Murad et al. 2021. PubMed ID: 33491330). This variant is reported in 0.036% of alleles in individuals of South Asian descent in gnomAD. Frameshift variants in HBB are expected to be pathogenic. This variant is interpreted as pathogenic.

The ITHANET community portal, The Cyprus Institute of Neurology and Genetics
Classification: Pathogenic for beta Thalassemia. Last evaluated: 2019-11-25. Review status: no assertion criteria provided. Collection method: curation. Allele origin: germline. Not counted in ClinVar's aggregate classification.

Counsyl
Classification: Pathogenic for Beta-thalassemia HBB/LCRB. Last evaluated: 2018-05-08. Review status: no assertion criteria provided. Collection method: clinical testing. Allele origin: unknown. Not counted in ClinVar's aggregate classification.

OMIM
Classification: Pathogenic for BETA-ZERO-THALASSEMIA. Last evaluated: 1989-01-01. Review status: no assertion criteria provided. Collection method: literature only. Allele origin: germline. Not counted in ClinVar's aggregate classification.

Literature cited by the submitters: PubMed 28361595 (cited by Natera, Inc.); PubMed 34258108 (cited by Natera, Inc.); PubMed 2606727 (cited by 8 submitters); PubMed 21389146 (cited by Center for Genomic Medicine, Rigshospitalet, Copenhagen University Hospital); PubMed 30777047 (cited by Center for Genomic Medicine, Rigshospitalet, Copenhagen University Hospital); PubMed 25617386 (cited by 4 submitters); PubMed 20301551 (cited by Center for Genomic Medicine, Rigshospitalet, Copenhagen University Hospital); PubMed 23637309 (cited by Variantyx, Inc. and Labcorp Genetics (formerly Invitae), Labcorp); PubMed 33491330 (cited by Quest Diagnostics Nichols Institute San Juan Capistrano and MOLECULAR BIOLOGY AND HUMAN GENETICS DIVISION, THE UNIVERSITY OF BURDWAN); PubMed 27263053 (cited by Quest Diagnostics Nichols Institute San Juan Capistrano and The ITHANET community portal, The Cyprus Institute of Neurology and Genetics); PubMed 23457306 (cited by Quest Diagnostics Nichols Institute San Juan Capistrano); PubMed 15278762 (cited by Women's Health and Genetics/Laboratory Corporation of America, LabCorp and Counsyl); PubMed 17486505 (cited by Women's Health and Genetics/Laboratory Corporation of America, LabCorp); PubMed 9225979 (cited by Women's Health and Genetics/Laboratory Corporation of America, LabCorp); PubMed 24052702 (cited by Counsyl).